The following is an entry in ClinVar:

ClinVar aggregate classification (germline): Likely pathogenic (1 of 4 stars; one submission).

Submission:

GeneDx
Classification: Likely pathogenic. Last evaluated: 2016-08-16. Review status: criteria provided, single submitter. Criteria: GeneDx Variant Classification (06012015). Collection method: clinical testing. Allele origin: germline. Affected: yes.
Comment: The M390T variant in the SPAST gene has not been published as a pathogenic variant, nor has it been reported as a benign variant to our knowledge. The M390T variant was not observed in approximately 6500 individuals of European and African American ancestry in the NHLBI Exome Sequencing Project, indicating it is not a common benign variant in these populations. The M390T variant is a non-conservative amino acid substitution, which is likely to impact secondary protein structure as these residues differ in polarity, charge, size and/or other properties. This substitution occurs at a position that is conserved across species, and in silico analysis predicts this variant is probably damaging to the protein structure/function. Furthermore, two missense variants at the same residue (M390V and M390I) have been reported in the Human Gene Mutation Database in association with autosomal dominant spastic paraplegia (Stenson et al., 2014), and residue M390 is located within the AAA ATPase domain of the spastin protein (Solowska et al. 2015). In summary, we interpret the M390T variant as likely pathogenic.

NM_014946.4(SPAST):c.1169T>C (p.Met390Thr)

Gene: SPAST (spastin; plus strand). Cytogenetic location: 2p22.3.
Variant type: single nucleotide variant.
Coding change: c.1169T>C on transcript NM_014946.4 (MANE Select); coding-DNA position 1169, T replaced by C.
Protein change: p.Met390Thr; replaces methionine 390 with threonine.
Molecular consequence: missense variant.
Genome position (GRCh38, 1-based): chr2:32,127,018, T>C. VCF-style: chr2-32127018-T-C. GRCh37 (hg19) VCF-style: chr2-32352087-T-C.
Other names: c.1166T>C, p.Met389Thr (NM_001363823.2); c.1070T>C, p.Met357Thr (NM_001363875.2); c.1073T>C, p.Met358Thr (NM_001377959.1, NM_199436.2); short protein forms M390T, M358T, M357T, M389T.
Identifiers: ClinVar variation 430454 (VCV000430454.2), dbSNP rs1131691977, ClinGen allele CA346501340.
Genomic context (GRCh38, chr2:32,127,018, plus strand): 5'-GGCTTAGAGCTCCTGCCAGAGGGCTGTTACTCTTTGGTCCACCTGGGAATGGGAAGACAA[T>C]GCTGGTAAGGGTTCTCTTCAAATTTGAGTTTTCTGTTGAGATATTTGGGATAATATGAAA-3'
Protein context (NP_055761.2, residues 380-400): LFGPPGNGKT[Met390Thr]LAKAVAAESN